The following is an entry in ClinVar:

NM_001184880.2(PCDH19):c.1430C>T (p.Ala477Val)

Gene: PCDH19 (protocadherin 19; minus strand). Cytogenetic location: Xq22.1.
Variant type: single nucleotide variant.
Coding change: c.1430C>T on transcript NM_001184880.2 (MANE Select); coding-DNA position 1430, C replaced by T.
Protein change: p.Ala477Val; replaces alanine 477 with valine.
Molecular consequence: missense variant.
Genome position (GRCh38, 1-based): chrX:100,407,168, G>A on the plus strand (C>T on the coding strand, the complement: PCDH19 is on the minus strand). VCF-style: chrX-100407168-G-A. GRCh37 (hg19) VCF-style: chrX-99662166-G-A.
Other names: c.1430C>T, p.Ala477Val (NM_001105243.2, NM_020766.3); short protein forms A477V.
Identifiers: ClinVar variation 2188556 (VCV002188556.4), dbSNP rs2520982391, ClinGen allele CA414002740.

ClinVar aggregate classification (germline): Uncertain significance (1 of 4 stars; one submission).

Conditions:
Developmental and epileptic encephalopathy, 9 (DEE9). Also called: PCDH19-Related X-Linked Female-Limited Epilepsy with Mental Retardation; Early infantile epileptic encephalopathy 9; JUBERG-HELLMAN SYNDROME; EPILEPSY, FEMALE-RESTRICTED, WITH MENTAL RETARDATION. Identifiers: Orphanet 101039, Orphanet 2076, MedGen C1848137, MONDO:0010246, OMIM 300088. Disease mechanism: loss of function.

Submission:

Labcorp Genetics (formerly Invitae), Labcorp
Classification: Uncertain significance for Developmental and epileptic encephalopathy, 9. Last evaluated: 2024-01-16. Review status: criteria provided, single submitter. Criteria: Invitae Variant Classification Sherloc (09022015). Collection method: clinical testing. Allele origin: germline.
Comment: This sequence change replaces alanine, which is neutral and non-polar, with valine, which is neutral and non-polar, at codon 477 of the PCDH19 protein (p.Ala477Val). This variant is not present in population databases (gnomAD no frequency). This variant has not been reported in the literature in individuals affected with PCDH19-related conditions. ClinVar contains an entry for this variant (Variation ID: 2188556). Advanced modeling of protein sequence and biophysical properties (such as structural, functional, and spatial information, amino acid conservation, physicochemical variation, residue mobility, and thermodynamic stability) performed at Invitae indicates that this missense variant is expected to disrupt PCDH19 protein function with a positive predictive value of 95%. In summary, the available evidence is currently insufficient to determine the role of this variant in disease. Therefore, it has been classified as a Variant of Uncertain Significance.